The following is an entry in ClinVar:

ClinVar aggregate classification (germline): Uncertain significance (1 of 4 stars; one submission).

Conditions:
Developmental and epileptic encephalopathy 94 (DEE94). Also called: Epileptic encephalopathy, childhood-onset; CHD2-Related Neurodevelopmental Disorders. Identifiers: Orphanet 1942, Orphanet 2382, MedGen C3809278, MONDO:0014150, OMIM 615369.

Allele frequency attached by ClinVar (database versions not stated): gnomAD exomes below 0.00001.
gnomAD v4.1: 1 of 1,614,228 alleles (0.000062%); highest among the groups gnomAD compares: Non-Finnish European, 0.000085%; no homozygotes.

Submission:

Labcorp Genetics (formerly Invitae), Labcorp
Classification: Uncertain significance for Developmental and epileptic encephalopathy 94. Last evaluated: 2022-11-15. Review status: criteria provided, single submitter. Criteria: Invitae Variant Classification Sherloc (09022015). Collection method: clinical testing. Allele origin: germline.
Comment: ClinVar contains an entry for this variant (Variation ID: 945332). In summary, the available evidence is currently insufficient to determine the role of this variant in disease. Therefore, it has been classified as a Variant of Uncertain Significance. Advanced modeling of protein sequence and biophysical properties (such as structural, functional, and spatial information, amino acid conservation, physicochemical variation, residue mobility, and thermodynamic stability) performed at Invitae indicates that this missense variant is not expected to disrupt CHD2 protein function. This variant has not been reported in the literature in individuals affected with CHD2-related conditions. This variant is not present in population databases (gnomAD no frequency). This sequence change replaces serine, which is neutral and polar, with leucine, which is neutral and non-polar, at codon 1789 of the CHD2 protein (p.Ser1789Leu).

NM_001271.4(CHD2):c.5366C>T (p.Ser1789Leu)

Gene: CHD2 (chromodomain helicase DNA binding protein 2; plus strand). Cytogenetic location: 15q26.1.
Variant type: single nucleotide variant.
Coding change: c.5366C>T on transcript NM_001271.4 (MANE Select); coding-DNA position 5366, C replaced by T.
Protein change: p.Ser1789Leu; replaces serine 1789 with leucine.
Molecular consequence: missense variant.
Genome position (GRCh38, 1-based): chr15:93,024,584, C>T. VCF-style: chr15-93024584-C-T. GRCh37 (hg19) VCF-style: chr15-93567814-C-T.
Other names: short protein forms S1789L.
Identifiers: ClinVar variation 945332 (VCV000945332.10), dbSNP rs2054570944, ClinGen allele CA393908628.